The following is an entry in ClinVar:

ClinVar aggregate classification (germline): Uncertain significance. Review status: criteria provided, multiple submitters, no conflicts (2 of 4 stars). 2 submissions from 2 submitters: Uncertain significance (2). Last evaluated 2025-09-19.

Conditions:
Hereditary cancer-predisposing syndrome. Also called: Hereditary neoplastic syndrome; Neoplastic Syndromes, Hereditary; Tumor predisposition; Hereditary Cancer Syndrome. Identifiers: Orphanet 140162, MedGen C0027672, MeSH D009386, MONDO:0015356.
Microcephaly, normal intelligence and immunodeficiency (NBS). Also called: IMMUNODEFICIENCY, MICROCEPHALY, AND CHROMOSOMAL INSTABILITY; SEEMANOVA SYNDROME II; Nijmegen breakage syndrome; Microcephaly with normal intelligence immunodeficiency and lymphoreticular malignancies; Nonsyndromal microcephaly autosomal recessive with normal intelligence; Seemanova syndrome 2. Identifiers: Orphanet 647, MedGen C0398791, MONDO:0009623, OMIM 251260.

Allele frequency attached by ClinVar (database versions not stated): TOPMed 0.00001.
gnomAD v4.1: 1 of 1,613,888 alleles (0.000062%); highest among the groups gnomAD compares: Non-Finnish European, 0.000085%; no homozygotes.

Submissions (2):

Ambry Genetics
Classification: Uncertain significance for Hereditary cancer-predisposing syndrome. Last evaluated: 2025-09-19. Review status: criteria provided, single submitter. Criteria: Ambry Variant Classification Scheme 2023. Collection method: clinical testing. Allele origin: germline.
Comment: The p.V101G variant (also known as c.302T>G), located in coding exon 3 of the NBN gene, results from a T to G substitution at nucleotide position 302. The valine at codon 101 is replaced by glycine, an amino acid with dissimilar properties. This amino acid position is conserved. In addition, this alteration is predicted to be deleterious by in silico analysis. Based on the available evidence, the clinical significance of this variant remains unclear.

Labcorp Genetics (formerly Invitae), Labcorp
Classification: Uncertain significance for Microcephaly, normal intelligence and immunodeficiency. Last evaluated: 2024-07-08. Review status: criteria provided, single submitter. Criteria: Invitae Variant Classification Sherloc (09022015). Collection method: clinical testing. Allele origin: germline.
Comment: This sequence change replaces valine, which is neutral and non-polar, with glycine, which is neutral and non-polar, at codon 101 of the NBN protein (p.Val101Gly). This variant is not present in population databases (gnomAD no frequency). This variant has not been reported in the literature in individuals affected with NBN-related conditions. ClinVar contains an entry for this variant (Variation ID: 461556). An algorithm developed to predict the effect of missense changes on protein structure and function (PolyPhen-2) suggests that this variant is likely to be disruptive. In summary, the available evidence is currently insufficient to determine the role of this variant in disease. Therefore, it has been classified as a Variant of Uncertain Significance.

NM_002485.5(NBN):c.302T>G (p.Val101Gly)

Gene: NBN (nibrin; minus strand). Cytogenetic location: 8q21.3.
Variant type: single nucleotide variant.
Coding change: c.302T>G on transcript NM_002485.5 (MANE Select); coding-DNA position 302, T replaced by G.
Protein change: p.Val101Gly; replaces valine 101 with glycine.
Molecular consequence: missense variant.
Genome position (GRCh38, 1-based): chr8:89,981,393, A>C on the plus strand (T>G on the coding strand, the complement: NBN is on the minus strand). VCF-style: chr8-89981393-A-C. GRCh37 (hg19) VCF-style: chr8-90993621-A-C.
Other names: c.56T>G, p.Val19Gly (NM_001024688.3); short protein forms V101G, V19G.
Identifiers: ClinVar variation 461556 (VCV000461556.9), dbSNP rs185493105, ClinGen allele CA371662326.